The following is an entry in ClinVar:

ClinVar aggregate classification (germline): Uncertain significance (1 of 4 stars; one submission).

Conditions:
Hereditary cancer-predisposing syndrome. Also called: Neoplastic Syndromes, Hereditary; Tumor predisposition; Hereditary neoplastic syndrome; Hereditary Cancer Syndrome. Identifiers: Orphanet 140162, MedGen C0027672, MeSH D009386, MONDO:0015356.
Cardiovascular phenotype. Identifiers: MedGen CN230736.

Submission:

Ambry Genetics
Classification: Uncertain significance for Cardiovascular phenotype; Hereditary cancer-predisposing syndrome. Last evaluated: 2023-09-14. Review status: criteria provided, single submitter. Criteria: Ambry Variant Classification Scheme 2023. Collection method: clinical testing. Allele origin: germline.
Comment: The p.K498I variant (also known as c.1493A>T), located in coding exon 13 of the NF1 gene, results from an A to T substitution at nucleotide position 1493. The lysine at codon 498 is replaced by isoleucine, an amino acid with dissimilar properties. This amino acid position is conserved. In addition, the in silico prediction for this alteration is inconclusive. Since supporting evidence is limited at this time, the clinical significance of this alteration remains unclear.

NM_001042492.3(NF1):c.1493A>T (p.Lys498Ile)

Gene: NF1 (neurofibromin 1; plus strand). Cytogenetic location: 17q11.2.
Variant type: single nucleotide variant.
Coding change: c.1493A>T on transcript NM_001042492.3 (MANE Select); coding-DNA position 1493, A replaced by T.
Protein change: p.Lys498Ile; replaces lysine 498 with isoleucine.
Molecular consequence: missense variant.
Genome position (GRCh38, 1-based): chr17:31,214,551, A>T. VCF-style: chr17-31214551-A-T. GRCh37 (hg19) VCF-style: chr17-29541569-A-T.
Other names: c.1493A>T, p.Lys498Ile (NM_000267.4, NM_001128147.3); short protein forms K498I.
Identifiers: ClinVar variation 3238308 (VCV003238308.1), dbSNP rs2143960140.